The following is an entry in ClinVar:

ClinVar aggregate classification (germline): Uncertain significance (1 of 4 stars; one submission).

gnomAD v4.1: 5 of 1,614,200 alleles (0.00031%); highest among the groups gnomAD compares: Admixed American, 0.0083%; no homozygotes.

Submission:

GeneDx
Classification: Uncertain significance. Last evaluated: 2026-03-21. Review status: criteria provided, single submitter. Criteria: GeneDx Variant Classification Process June 2021. Collection method: clinical testing. Allele origin: germline.
Comment: In silico analysis supports that this missense variant has a deleterious effect on protein structure/function; Has not been previously published as pathogenic or benign to our knowledge

NM_001347886.2(DNAH3):c.6533T>G (p.Phe2178Cys)

Gene: DNAH3 (dynein axonemal heavy chain 3; minus strand). Cytogenetic location: 16p12.3.
Variant type: single nucleotide variant.
Coding change: c.6533T>G on transcript NM_001347886.2 (MANE Select); coding-DNA position 6533, T replaced by G.
Protein change: p.Phe2178Cys; replaces phenylalanine 2178 with cysteine.
Molecular consequence: missense variant.
Genome position (GRCh38, 1-based): chr16:20,987,996, A>C on the plus strand (T>G on the coding strand, the complement: DNAH3 is on the minus strand). VCF-style: chr16-20987996-A-C. GRCh37 (hg19) VCF-style: chr16-20999318-A-C.
Other names: c.6671T>G, p.Phe2224Cys (NM_017539.2); short protein forms F2178C, F2224C.
Identifiers: ClinVar variation 5009483 (VCV005009483.1).